The following is an entry in ClinVar:

NM_001190737.2(NFIB):c.360C>A (p.Cys120Ter)

Gene: NFIB (nuclear factor I B; minus strand). Cytogenetic location: 9p22.3.
Variant type: single nucleotide variant.
Coding change: c.360C>A on transcript NM_001190737.2 (MANE Select); coding-DNA position 360, C replaced by A.
Protein change: p.Cys120Ter; replaces cysteine 120 with a stop codon.
Molecular consequence: nonsense. On other transcripts: intron variant (3).
Genome position (GRCh38, 1-based): chr9:14,307,191, G>T on the plus strand (C>A on the coding strand, the complement: NFIB is on the minus strand). VCF-style: chr9-14307191-G-T. GRCh37 (hg19) VCF-style: chr9-14307190-G-T.
Other names: c.438C>A, p.Cys146Ter (NM_001190738.2); c.426C>A, p.Cys142Ter (NM_001369458.1, NM_001369459.1, NM_001369462.1 and 1 more transcripts); c.348C>A, p.Cys116Ter (NM_001369460.1, NM_001369463.1, NM_001369466.1 and 2 more transcripts); c.360C>A, p.Cys120Ter (NM_001369461.1, NM_001369464.1, NM_001369471.1 and 4 more transcripts); c.333C>A, p.Cys111Ter (NM_001369465.1, NM_001369467.1, NM_001369476.1); c.216C>A, p.Cys72Ter (NM_001369469.1); c.345C>A, p.Cys115Ter (NM_001369474.1); c.325+23C>A (NM_001369478.1, NM_001369470.1); and 1 more; short protein forms C111*, C115*, C116*, C120*, C142*, C146*, C72*.
Identifiers: ClinVar variation 4881593 (VCV004881593.2).

ClinVar aggregate classification (germline): Likely pathogenic (1 of 4 stars; one submission).

Submission:

Dasa
Classification: Likely pathogenic. Last evaluated: 2025-07-09. Review status: criteria provided, single submitter. Criteria: DASA Assertion Criteria. Collection method: clinical testing. Allele origin: germline.
Comment: NM_001190737.2(NFIB):c.360C>A (p.Cys120*) is a nonsense variant in NFIB predicted to introduce a premature termination codon and is predicted to result in an absent or altered protein product. Loss of function is an established disease mechanism for NFIB (PMID: 30388402; PMID: 36321570; PMID: 33130023). Also, this variant is absent from population databases. Based on the currently available evidence, this variant is classified as likely pathogenic.

Literature cited by the submitters: PubMed 30388402; PubMed 36321570; PubMed 33130023.